The following is an entry in ClinVar:

NM_006254.4(PRKCD):c.1707C>G (p.Arg569=)

Gene: PRKCD (protein kinase C delta; plus strand). Cytogenetic location: 3p21.1.
Variant type: single nucleotide variant.
Coding change: c.1707C>G on transcript NM_006254.4 (MANE Select); coding-DNA position 1707, C replaced by G.
Protein change: p.Arg569=; no amino-acid change (arginine 569 retained).
Molecular consequence: synonymous variant.
Genome position (GRCh38, 1-based): chr3:53,189,210, C>G. VCF-style: chr3-53189210-C-G. GRCh37 (hg19) VCF-style: chr3-53223226-C-G.
Other names: c.1707C>G, p.Arg569= (LRG_1327t1, NM_001316327.2, NM_001354679.2 and 2 more transcripts); c.1764C>G, p.Arg588= (NM_001354676.2); c.1755C>G, p.Arg585= (NM_001354678.2).
Identifiers: ClinVar variation 653831 (VCV000653831.1), dbSNP rs1575544912, ClinGen allele CA433796270.

ClinVar aggregate classification (germline): Uncertain significance (1 of 4 stars; one submission).

Conditions:
Autoimmune lymphoproliferative syndrome, type III caused by mutation in PRKCD. Identifiers: Orphanet 3261, Orphanet 664711, MedGen C3809928, MONDO:8000024, OMIM 615559.

Submission:

Labcorp Genetics (formerly Invitae), Labcorp
Classification: Uncertain significance for Autoimmune lymphoproliferative syndrome, type III. Last evaluated: 2018-09-27. Review status: criteria provided, single submitter. Criteria: Invitae Variant Classification Sherloc (09022015). Collection method: clinical testing. Allele origin: germline.
Comment: This sequence change affects codon 569 of the PRKCD mRNA. It is a 'silent' change, meaning that it does not change the encoded amino acid sequence of the PRKCD protein. This variant is not present in population databases (ExAC no frequency). This variant has not been reported in the literature in individuals with PRKCD-related disease. Algorithms developed to predict the effect of sequence changes on RNA splicing suggest that this variant may create or strengthen a splice site, but this prediction has not been confirmed by published transcriptional studies. In summary, the available evidence is currently insufficient to determine the role of this variant in disease. Therefore, it has been classified as a Variant of Uncertain Significance.